The following is an entry in ClinVar:

NM_020964.3(EPG5):c.6112T>G (p.Cys2038Gly)

Gene: EPG5 (ectopic P-granules 5 autophagy tethering factor; minus strand). Cytogenetic location: 18q12.3.
Variant type: single nucleotide variant.
Coding change: c.6112T>G on transcript NM_020964.3 (MANE Select); coding-DNA position 6112, T replaced by G.
Protein change: p.Cys2038Gly; replaces cysteine 2038 with glycine.
Molecular consequence: missense variant.
Genome position (GRCh38, 1-based): chr18:45,870,680, A>C on the plus strand (T>G on the coding strand, the complement: EPG5 is on the minus strand). VCF-style: chr18-45870680-A-C. GRCh37 (hg19) VCF-style: chr18-43450645-A-C.
Other names: short protein forms C2038G.
Identifiers: ClinVar variation 850955 (VCV000850955.6), dbSNP rs375057925, ClinGen allele CA8948366.

ClinVar aggregate classification (germline): Uncertain significance (1 of 4 stars; one submission).

Conditions:
Vici syndrome (VICIS). Identifiers: Orphanet 1493, MedGen C1855772, MONDO:0009452, OMIM 242840.

Allele frequency attached by ClinVar (database versions not stated): gnomAD 0.00001; TOPMed 0.00001; ExAC 0.00002; ESP Exome Variant Server 0.00008.
gnomAD v4.1: 3 of 1,613,570 alleles (0.00019%); highest among the groups gnomAD compares: Non-Finnish European, 0.00025%; no homozygotes.

Submission:

Labcorp Genetics (formerly Invitae), Labcorp
Classification: Uncertain significance for Vici syndrome. Last evaluated: 2021-10-22. Review status: criteria provided, single submitter. Criteria: Invitae Variant Classification Sherloc (09022015). Collection method: clinical testing. Allele origin: germline.
Comment: This sequence change replaces cysteine with glycine at codon 2038 of the EPG5 protein (p.Cys2038Gly). The cysteine residue is highly conserved and there is a large physicochemical difference between cysteine and glycine. This variant is present in population databases (rs375057925, ExAC 0.009%). This missense change has been observed in individual(s) with primary immunodeficiency diseases (PMID: 27577878). Algorithms developed to predict the effect of missense changes on protein structure and function are either unavailable or do not agree on the potential impact of this missense change (SIFT: "Tolerated"; PolyPhen-2: "Probably Damaging"; Align-GVGD: "Class C0"). Algorithms developed to predict the effect of sequence changes on RNA splicing suggest that this variant may create or strengthen a splice site. In summary, the available evidence is currently insufficient to determine the role of this variant in disease. Therefore, it has been classified as a Variant of Uncertain Significance.

Literature cited by the submitters: PubMed 27577878.